The following is an entry in ClinVar:

NM_001386140.1(MTTP):c.2661T>G (p.Asp887Glu)

Gene: MTTP (microsomal triglyceride transfer protein; plus strand). Cytogenetic location: 4q23.
Variant type: single nucleotide variant.
Coding change: c.2661T>G on transcript NM_001386140.1 (MANE Select); coding-DNA position 2661, T replaced by G.
Protein change: p.Asp887Glu; replaces aspartic acid 887 with glutamic acid.
Molecular consequence: missense variant.
Genome position (GRCh38, 1-based): chr4:99,622,824, T>G. VCF-style: chr4-99622824-T-G. GRCh37 (hg19) VCF-style: chr4-100543981-T-G.
Other names: c.2661T>G, p.Asp887Glu (NM_000253.4); c.2412T>G, p.Asp804Glu (NM_001300785.2); short protein forms D804E, D887E.
Identifiers: ClinVar variation 1961785 (VCV001961785.5), dbSNP rs531134070, ClinGen allele CA3022424.

ClinVar aggregate classification (germline): Uncertain significance (1 of 4 stars; one submission).

Allele frequency attached by ClinVar (database versions not stated): gnomAD 0.00003; 1000 Genomes Project 0.00040; 1000 Genomes Project 30x 0.00047.
gnomAD v4.1: 5 of 1,614,112 alleles (0.00031%); highest among the groups gnomAD compares: African/African-American, 0.0053%; 1 homozygote.

Submission:

Labcorp Genetics (formerly Invitae), Labcorp
Classification: Uncertain significance. Last evaluated: 2022-10-05. Review status: criteria provided, single submitter. Criteria: Invitae Variant Classification Sherloc (09022015). Collection method: clinical testing. Allele origin: germline.
Comment: This sequence change replaces aspartic acid, which is acidic and polar, with glutamic acid, which is acidic and polar, at codon 887 of the MTTP protein (p.Asp887Glu). This variant is present in population databases (rs531134070, gnomAD 0.03%), including at least one homozygous and/or hemizygous individual. This variant has not been reported in the literature in individuals affected with MTTP-related conditions. Algorithms developed to predict the effect of missense changes on protein structure and function output the following: SIFT: "Tolerated"; PolyPhen-2: "Benign"; Align-GVGD: "Class C0". The glutamic acid amino acid residue is found in multiple mammalian species, which suggests that this missense change does not adversely affect protein function. In summary, the available evidence is currently insufficient to determine the role of this variant in disease. Therefore, it has been classified as a Variant of Uncertain Significance.